The following is an entry in ClinVar:

ClinVar aggregate classification (germline): Benign/Likely benign. Review status: criteria provided, single submitter (1 of 4 stars). 3 submissions from 1 submitter: Benign (1); Likely benign (2). Last evaluated 2018-01-12.

Conditions:
Hereditary spherocytosis type 4. Also called: SLC4A1-Related Spherocytosis. Identifiers: Orphanet 822, MedGen C2675212, MONDO:0012981, OMIM 612653.
Autosomal dominant distal renal tubular acidosis (DRTA1). Also called: RTA, CLASSIC TYPE; RTA, DISTAL TYPE, AUTOSOMAL DOMINANT; RTA, GRADIENT TYPE; Renal Tubular Acidosis, Type I; RENAL TUBULAR ACIDOSIS, DISTAL, 1. Identifiers: Orphanet 93608, MedGen CN280572, MONDO:0008368, OMIM 179800.
Hemolytic anemia. Identifiers: MedGen C0002878, MONDO:0003664, HP:0001878.

Allele frequency attached by ClinVar (database versions not stated): TOPMed 0.00043; gnomAD 0.00046 and 0.00048; gnomAD exomes 0.00051 and 0.00081; ExAC 0.00132.

Submissions (3):

Illumina Laboratory Services, Illumina
Classification: Benign for Autosomal dominant distal renal tubular acidosis. Last evaluated: 2018-01-12. Review status: criteria provided, single submitter. Criteria: ICSL Variant Classification Criteria 13 December 2019. Collection method: clinical testing. Allele origin: germline.
Comment: This variant was observed in the ICSL laboratory as part of a predisposition screen in an ostensibly healthy population. It had not been previously curated by ICSL or reported in the Human Gene Mutation Database (HGMD: prior to June 1st, 2018), and was therefore a candidate for classification through an automated scoring system. Utilizing variant allele frequency, disease prevalence and penetrance estimates, and inheritance mode, an automated score was calculated to assess if this variant is too frequent to cause the disease. Based on the score and internal cut-off values, a variant classified as benign is not then subjected to further curation. The score for this variant resulted in a classification of benign for this disease.

Illumina Laboratory Services, Illumina
Classification: Likely benign for Hemolytic anemia. Last evaluated: 2018-01-12. Review status: criteria provided, single submitter. Criteria: ICSL Variant Classification Criteria 13 December 2019. Collection method: clinical testing. Allele origin: germline.
Comment: This variant was observed in the ICSL laboratory as part of a predisposition screen in an ostensibly healthy population. It had not been previously curated by ICSL or reported in the Human Gene Mutation Database (HGMD: prior to June 1st, 2018), and was therefore a candidate for classification through an automated scoring system. Utilizing variant allele frequency, disease prevalence and penetrance estimates, and inheritance mode, an automated score was calculated to assess if this variant is too frequent to cause the disease. Based on the score and internal cut-off values, a variant classified as likely benign is not then subjected to further curation. The score for this variant resulted in a classification of likely benign for this disease.

Illumina Laboratory Services, Illumina
Classification: Likely benign for Hereditary spherocytosis type 4. Last evaluated: 2018-01-12. Review status: criteria provided, single submitter. Criteria: ICSL Variant Classification Criteria 13 December 2019. Collection method: clinical testing. Allele origin: germline.
Comment: the same text as in the submission from Illumina Laboratory Services, Illumina above.

NM_000342.4(SLC4A1):c.*1237C>T

Gene: SLC4A1 (solute carrier family 4 member 1 (Diego blood group); minus strand). Cytogenetic location: 17q21.31.
Variant type: single nucleotide variant.
Coding change: c.*1237C>T on transcript NM_000342.4 (MANE Select); 1237 bases downstream of the stop codon, C replaced by T.
Molecular consequence: 3 prime UTR variant.
Genome position (GRCh38, 1-based): chr17:44,249,221, G>A on the plus strand (C>T on the coding strand, the complement: SLC4A1 is on the minus strand). VCF-style: chr17-44249221-G-A. GRCh37 (hg19) VCF-style: chr17-42326589-G-A.
Identifiers: ClinVar variation 323485 (VCV000323485.5), dbSNP rs774513767, ClinGen allele CA8599930.